The following is an entry in ClinVar:

NM_018297.4(NGLY1):c.773G>T (p.Arg258Met)

Gene: NGLY1 (N-glycanase 1; minus strand). Cytogenetic location: 3p24.2.
Variant type: single nucleotide variant.
Coding change: c.773G>T on transcript NM_018297.4 (MANE Select); coding-DNA position 773, G replaced by T.
Protein change: p.Arg258Met; replaces arginine 258 with methionine.
Molecular consequence: missense variant.
Genome position (GRCh38, 1-based): chr3:25,739,685, C>A on the plus strand (G>T on the coding strand, the complement: NGLY1 is on the minus strand). VCF-style: chr3-25739685-C-A. GRCh37 (hg19) VCF-style: chr3-25781176-C-A.
Other names: c.773G>T, p.Arg258Met (NM_001145293.2, NM_001145295.2); c.647G>T, p.Arg216Met (NM_001145294.2); short protein forms R216M, R258M.
Identifiers: ClinVar variation 1382902 (VCV001382902.4), dbSNP rs1252562045, ClinGen allele CA351903649.

ClinVar aggregate classification (germline): Uncertain significance (1 of 4 stars; one submission).

Conditions:
Congenital disorder of deglycosylation (CDDG). Identifiers: MedGen C3808991, MONDO:0031376.

Submission:

Labcorp Genetics (formerly Invitae), Labcorp
Classification: Uncertain significance for Congenital disorder of deglycosylation. Last evaluated: 2024-10-22. Review status: criteria provided, single submitter. Criteria: Invitae Variant Classification Sherloc (09022015). Collection method: clinical testing. Allele origin: germline.
Comment: This sequence change replaces arginine, which is basic and polar, with methionine, which is neutral and non-polar, at codon 258 of the NGLY1 protein (p.Arg258Met). This variant is not present in population databases (gnomAD no frequency). This variant has not been reported in the literature in individuals affected with NGLY1-related conditions. ClinVar contains an entry for this variant (Variation ID: 1382902). Invitae Evidence Modeling of protein sequence and biophysical properties (such as structural, functional, and spatial information, amino acid conservation, physicochemical variation, residue mobility, and thermodynamic stability) indicates that this missense variant is not expected to disrupt NGLY1 protein function with a negative predictive value of 80%. In summary, the available evidence is currently insufficient to determine the role of this variant in disease. Therefore, it has been classified as a Variant of Uncertain Significance.